The following is an entry in ClinVar:

NM_015272.5(RPGRIP1L):c.1072_1073dup (p.Leu358fs)

Gene: RPGRIP1L (RPGRIP1 like; minus strand). Cytogenetic location: 16q12.2.
Variant type: Duplication.
Coding change: c.1072_1073dup on transcript NM_015272.5 (MANE Select); coding-DNA positions 1072 to 1073, 2 bases duplicated (TT; older notation c.1072_1073dupTT).
Protein change: p.Leu358fs; shifts the reading frame from leucine 358.
Molecular consequence: frameshift variant.
Genome position (GRCh38, 1-based): chr16:53,671,540-53,671,541, AA duplicated on the plus strand (TT on the coding strand, the reverse complement: RPGRIP1L is on the minus strand); duplicating any 2 consecutive bases within chr16:53,671,540-53,671,543 gives the same sequence; the c. name uses the placement nearest the transcript's 3' end. VCF-style (leftmost placement, unchanged base first): chr16-53671539-T-TAA. GRCh37 (hg19) VCF-style: chr16-53705451-T-TAA.
Other names: c.1072_1073dup, p.Leu358fs (NM_001127897.4, NM_001308334.3, NM_001330538.2); c.1072_1073dupTT (NM_015272.4); short protein forms L358fs.
Identifiers: ClinVar variation 406250 (VCV000406250.9), dbSNP rs1060501006, ClinGen allele CA16615347.
Genomic context (GRCh38, chr16:53,671,539, plus strand): 5'-CAATGAAAGAACACATGGAATCACGATTTACCTGTCATAAAGTTTATCATAGTTTTCCTT[T>TAA]AAAAGTTCCCGTTCCTTTTCTAAATCATTAATTCTATCCTGCAGCTAAAATGAAAATAAA-3'

ClinVar aggregate classification (germline): Pathogenic/Likely pathogenic. Review status: criteria provided, multiple submitters, no conflicts (2 of 4 stars). 3 submissions from 3 submitters: Pathogenic (1); Likely pathogenic (1). 1 of the submissions does not count toward it. Last evaluated 2025-11-21.

Conditions:
RPGRIP1L-related disorder. Also called: RPGRIP1L-related condition; RPGRIP1L-related disorders. Identifiers: MedGen CN239416.
Meckel-Gruber syndrome. Also called: GRUBER SYNDROME; DYSENCEPHALIA SPLANCHNOCYSTICA; Dysencephalia splachnocystica. Identifiers: Orphanet 564, MedGen C0265215, MONDO:0018921.
Joubert syndrome. Also called: JOUBERT-BOLTSHAUSER SYNDROME; Familial aplasia of the vermis. Identifiers: Orphanet 475, MedGen C5979921, MONDO:0018772.

Submissions (3):

Natera, Inc.
Classification: Likely pathogenic for Joubert syndrome. Last evaluated: 2025-11-21. Review status: criteria provided, single submitter. Criteria: Natera Variant Classification Schema (03/2026). Collection method: clinical testing. Allele origin: germline.
Comment: The c.1072_1073dupTT variant in RPGRIP1L is a frameshift variant predicted to shift the reading frame beginning at codon 358 and leads to a stop codon 2 codons downstream. This variant is expected to result in nonsense mediated decay, truncation, or a dysfunctional protein product. This variant is rare in the general population with a frequency below the threshold expected for the associated phenotype(s). Given the available evidence, this variant is classified as Likely Pathogenic.

Labcorp Genetics (formerly Invitae), Labcorp
Classification: Pathogenic for Joubert syndrome; Meckel-Gruber syndrome. Last evaluated: 2016-07-11. Review status: criteria provided, single submitter. Criteria: Invitae Variant Classification Sherloc (09022015). Collection method: clinical testing. Allele origin: germline.
Comment: While this particular variant has not been reported in the literature, truncating variants in RPGRIP1L are known to be pathogenic (PMID: 17558409). This sequence change inserts 2 nucleotides in exon 9 of the RPGRIP1L mRNA (c.1072_1073dupTT), causing a frameshift at codon 358. This creates a premature translational stop signal (p.Leu358Phefs*2) and is expected to result in an absent or disrupted protein product. For these reasons, this variant has been classified as Pathogenic.

PreventionGenetics, part of Exact Sciences
Classification: Likely pathogenic for RPGRIP1L-related condition. Last evaluated: 2023-12-19. Review status: no assertion criteria provided. Collection method: clinical testing. Allele origin: germline. Not counted in ClinVar's aggregate classification.
Comment: The RPGRIP1L c.1072_1073dupTT variant is predicted to result in a frameshift and premature protein termination (p.Leu358Phefs*2). To our knowledge, this variant has not been reported in the literature or a large population database, indicating this variant is rare. Frameshift variants in RPGRIP1L are expected to be pathogenic. This variant is interpreted as likely pathogenic.

Literature cited by the submitters: PubMed 17558409 (cited by Labcorp Genetics (formerly Invitae), Labcorp).